The following is an entry in ClinVar:

ClinVar aggregate classification (germline): Likely benign. Review status: criteria provided, multiple submitters, no conflicts (2 of 4 stars). 2 submissions from 2 submitters: Likely benign (2). Last evaluated 2023-12-01.

Conditions:
Werner syndrome (WRN). Identifiers: Orphanet 902, MedGen C0043119, MONDO:0010196, OMIM 277700.

Allele frequency attached by ClinVar (database versions not stated): gnomAD exomes below 0.00001.
gnomAD v4.1: 1 of 1,613,810 alleles (0.000062%); highest among the groups gnomAD compares: Non-Finnish European, 0.000085%; no homozygotes.

Submissions (2):

CeGaT Center for Human Genetics Tuebingen
Classification: Likely benign. Last evaluated: 2023-12-01. Review status: criteria provided, single submitter. Criteria: CeGaT Center For Human Genetics Tuebingen Variant Classification Criteria Version 2. Collection method: clinical testing. Allele origin: germline. Affected: yes. Observed: 1 variant allele.
Comment: WRN: PM2:Supporting, BP4, BP7

Labcorp Genetics (formerly Invitae), Labcorp
Classification: Likely benign for Werner syndrome. Last evaluated: 2022-10-30. Review status: criteria provided, single submitter. Criteria: Invitae Variant Classification Sherloc (09022015). Collection method: clinical testing. Allele origin: germline.

NM_000553.6(WRN):c.3411T>A (p.Ala1137=)

Gene: WRN (WRN RecQ like helicase; plus strand). Cytogenetic location: 8p12.
Variant type: single nucleotide variant.
Coding change: c.3411T>A on transcript NM_000553.6 (MANE Select); coding-DNA position 3411, T replaced by A.
Protein change: p.Ala1137=; no amino-acid change (alanine 1137 retained).
Molecular consequence: synonymous variant.
Genome position (GRCh38, 1-based): chr8:31,147,080, T>A. VCF-style: chr8-31147080-T-A. GRCh37 (hg19) VCF-style: chr8-31004596-T-A.
Identifiers: ClinVar variation 3019263 (VCV003019263.25), dbSNP rs767519655, ClinGen allele CA460223940.